The following is an entry in ClinVar:

NM_001244926.2(PRPF4):c.556C>G (p.Pro186Ala)

Gene: PRPF4 (pre-mRNA splicing tri-snRNP complex factor PRPF4; plus strand). Cytogenetic location: 9q32.
Variant type: single nucleotide variant.
Coding change: c.556C>G on transcript NM_001244926.2 (MANE Select); coding-DNA position 556, C replaced by G.
Protein change: p.Pro186Ala; replaces proline 186 with alanine.
Molecular consequence: missense variant. On other transcripts: 5 prime UTR variant (2), non-coding transcript variant (2).
Genome position (GRCh38, 1-based): chr9:113,283,207, C>G. VCF-style: chr9-113283207-C-G. GRCh37 (hg19) VCF-style: chr9-116045487-C-G.
Other names: c.-210C>G (NM_001322266.2, NM_001322267.2); c.559C>G, p.Pro187Ala (NM_004697.5); short protein forms P186A, P187A.
Identifiers: ClinVar variation 865751 (VCV000865751.4), dbSNP rs187531407, ClinGen allele CA5194897.

ClinVar aggregate classification (germline): Uncertain significance. Review status: criteria provided, multiple submitters, no conflicts (2 of 4 stars). 2 submissions from 2 submitters: Uncertain significance (2). Last evaluated 2024-10-03.

Allele frequency attached by ClinVar (database versions not stated): TOPMed 0.00002.
gnomAD v4.1: 91 of 1,614,006 alleles (0.0056%); highest among the groups gnomAD compares: Non-Finnish European, 0.0076%; no homozygotes.

Submissions (2):

Labcorp Genetics (formerly Invitae), Labcorp
Classification: Uncertain significance. Last evaluated: 2024-10-03. Review status: criteria provided, single submitter. Criteria: Invitae Variant Classification Sherloc (09022015). Collection method: clinical testing. Allele origin: germline.
Comment: This sequence change replaces proline, which is neutral and non-polar, with alanine, which is neutral and non-polar, at codon 187 of the PRPF4 protein (p.Pro187Ala). This variant is present in population databases (rs187531407, gnomAD 0.004%). This missense change has been observed in individual(s) with retinitis pigmentosa (PMID: 24959063). ClinVar contains an entry for this variant (Variation ID: 865751). An algorithm developed to predict the effect of missense changes on protein structure and function (PolyPhen-2) suggests that this variant is likely to be disruptive. In summary, the available evidence is currently insufficient to determine the role of this variant in disease. Therefore, it has been classified as a Variant of Uncertain Significance.

Blueprint Genetics
Classification: Uncertain significance. Last evaluated: 2018-08-08. Review status: criteria provided, single submitter. Criteria: ACMG Guidelines, 2015. Collection method: clinical testing. Allele origin: germline.

Literature cited by the submitters: PubMed 24959063 (cited by Labcorp Genetics (formerly Invitae), Labcorp).